The following is an entry in ClinVar:

ClinVar aggregate classification (germline): Uncertain significance (1 of 4 stars; one submission).

gnomAD v4.1: 10 of 1,614,220 alleles (0.00062%); highest among the groups gnomAD compares: Non-Finnish European, 0.00068%; no homozygotes.

Submission:

Labcorp Genetics (formerly Invitae), Labcorp
Classification: Uncertain significance. Last evaluated: 2025-09-04. Review status: criteria provided, single submitter. Criteria: Invitae Variant Classification Sherloc (09022015). Collection method: clinical testing. Allele origin: germline.
Comment: This sequence change replaces histidine, which is basic and polar, with arginine, which is basic and polar, at codon 1611 of the COL4A2 protein (p.His1611Arg). This variant is not present in population databases (gnomAD no frequency). This variant has not been reported in the literature in individuals affected with COL4A2-related conditions. Invitae Evidence Modeling of protein sequence and biophysical properties (such as structural, functional, and spatial information, amino acid conservation, physicochemical variation, residue mobility, and thermodynamic stability) indicates that this missense variant is not expected to disrupt COL4A2 protein function with a negative predictive value of 95%. In summary, the available evidence is currently insufficient to determine the role of this variant in disease. Therefore, it has been classified as a Variant of Uncertain Significance.

NM_001846.4(COL4A2):c.4832A>G (p.His1611Arg)

Genes: COL4A2 (collagen type IV alpha 2 chain; plus strand), COL4A2-AS1 (COL4A2 antisense RNA 1; minus strand). Cytogenetic location: 13q34.
Variant type: single nucleotide variant.
Coding change: c.4832A>G on transcript NM_001846.4 (MANE Select); coding-DNA position 4832, A replaced by G.
Protein change: p.His1611Arg; replaces histidine 1611 with arginine.
Molecular consequence: missense variant. On other transcripts: non-coding transcript variant (1).
Genome position (GRCh38, 1-based): chr13:110,508,172, A>G. VCF-style: chr13-110508172-A-G. GRCh37 (hg19) VCF-style: chr13-111160519-A-G.
Other names: short protein forms H1611R.
Identifiers: ClinVar variation 4697194 (VCV004697194.1).
Genomic context (GRCh38, chr13:110,508,172, plus strand): 5'-CTGTGTGTGAGGCCCCGGCCATCGCCATCGCGGTCCACAGTCAGGATGTCTCCATCCCAC[A>G]CTGCCCAGCTGGGTGGCGGAGTTTGTGGATCGGATATTCCTTCCTCATGGTATGTGGTAT-3'
Protein context (NP_001837.2, residues 1601-1621): AVHSQDVSIP[His1611Arg]CPAGWRSLWI